The following is an entry in ClinVar:

NM_017780.4(CHD7):c.1549_1553del (p.Leu517fs)

Gene: CHD7 (chromodomain helicase DNA binding protein 7; plus strand). Cytogenetic location: 8q12.2.
Variant type: Deletion.
Coding change: c.1549_1553del on transcript NM_017780.4 (MANE Select); coding-DNA positions 1549 to 1553, 5 bases deleted (CTGCA; older notation c.1549_1553delCTGCA).
Protein change: p.Leu517fs; shifts the reading frame from leucine 517.
Molecular consequence: frameshift variant.
Genome position (GRCh38, 1-based): chr8:60,742,981-60,742,985, CTGCA deleted; deleting any 5 consecutive bases within chr8:60,742,979-60,742,985 gives the same sequence; the c. name uses the placement nearest the transcript's 3' end. VCF-style (leftmost placement, unchanged base first): chr8-60742978-CCACTG-C. GRCh37 (hg19) VCF-style: chr8-61655537-CCACTG-C.
Other names: c.1549_1553del, p.Leu517fs (NM_001316690.1); short protein forms L517fs.
Identifiers: ClinVar variation 2843615 (VCV002843615.3), dbSNP rs2487284308, ClinGen allele CA2739268798.

ClinVar aggregate classification (germline): Pathogenic (1 of 4 stars; one submission).

Conditions:
CHARGE syndrome (CHARGE). Also called: Hittner Hirsch Kreh syndrome; CHARGE ASSOCIATION--COLOBOMA, HEART ANOMALY, CHOANAL ATRESIA, RETARDATION, GENITAL AND EAR ANOMALIES; Coloboma, heart anomaly, choanal atresia, retardation, genital and ear anomalies; CHARGE association; Hall-Hittner syndrome. Identifiers: Orphanet 138, MedGen C0265354, MONDO:0008965.

Submission:

Labcorp Genetics (formerly Invitae), Labcorp
Classification: Pathogenic for CHARGE syndrome. Last evaluated: 2023-03-07. Review status: criteria provided, single submitter. Criteria: Invitae Variant Classification Sherloc (09022015). Collection method: clinical testing. Allele origin: germline.
Comment: For these reasons, this variant has been classified as Pathogenic. This variant has not been reported in the literature in individuals affected with CHD7-related conditions. This variant is not present in population databases (gnomAD no frequency). This sequence change creates a premature translational stop signal (p.Leu517Alafs*56) in the CHD7 gene. It is expected to result in an absent or disrupted protein product. Loss-of-function variants in CHD7 are known to be pathogenic (PMID: 22461308, 25077900).

Literature cited by the submitters: PubMed 22461308; PubMed 25077900.